The following is an entry in ClinVar:

NM_004415.4(DSP):c.5839T>C (p.Tyr1947His)

Gene: DSP (desmoplakin; plus strand). Cytogenetic location: 6p24.3.
Variant type: single nucleotide variant.
Coding change: c.5839T>C on transcript NM_004415.4 (MANE Select); coding-DNA position 5839, T replaced by C.
Protein change: p.Tyr1947His; replaces tyrosine 1947 with histidine.
Molecular consequence: missense variant.
Genome position (GRCh38, 1-based): chr6:7,583,101, T>C. VCF-style: chr6-7583101-T-C. GRCh37 (hg19) VCF-style: chr6-7583334-T-C.
Other names: c.4042T>C, p.Tyr1348His (NM_001008844.3); c.4510T>C, p.Tyr1504His (NM_001319034.2); c.5839T>C (NM_004415.3, LRG_423t1); short protein forms Y1947H, Y1504H, Y1348H.
Identifiers: ClinVar variation 567189 (VCV000567189.15), dbSNP rs767259019, ClinGen allele CA045899.

ClinVar aggregate classification (germline): Conflicting classifications of pathogenicity. Review status: criteria provided, conflicting classifications (1 of 4 stars). 6 submissions from 6 submitters: Uncertain significance (4); Likely benign (2). Last evaluated 2026-02-09.

Conditions:
Arrhythmogenic cardiomyopathy with wooly hair and keratoderma. Also called: Dilated cardiomyopathy with woolly hair and keratoderma; Arrhythmogenic cardiomyopathy with woolly hair and keratoderma; PALMOPLANTAR KERATODERMA WITH LEFT VENTRICULAR CARDIOMYOPATHY AND WOOLLY HAIR; Carvajal syndrome. Identifiers: Orphanet 65282, MedGen C1854063, MONDO:0011581, OMIM 605676.
Keratosis palmoplantaris striata 2. Also called: Keratosis palmoplantaris striata II; KERATODERMA, PALMOPLANTAR, STRIATE FORM II; STRIATE PALMOPLANTAR KERATODERMA II. Identifiers: MedGen C1852127, MONDO:0013034, OMIM 612908.
Woolly hair-skin fragility syndrome (WHSF). Identifiers: Orphanet 293165, MedGen C1843292, MONDO:0957307, OMIM 620415.
Lethal acantholytic epidermolysis bullosa (EBLA). Identifiers: Orphanet 158687, MedGen C1864826, MONDO:0012323, OMIM 609638.
Arrhythmogenic right ventricular dysplasia 8 (ARVD8). Also called: Arrhythmogenic Right Ventricular Dysplasia/Cardiomyopathy 8; ARRHYTHMOGENIC RIGHT VENTRICULAR DYSPLASIA, FAMILIAL, 8; ARRHYTHMOGENIC RIGHT VENTRICULAR CARDIOMYOPATHY 8. Identifiers: MedGen C1843896, MONDO:0011831, OMIM 607450.
Cardiomyopathy, dilated, with wooly hair, keratoderma, and tooth agenesis. Also called: Cardiomyopathy, dilated, with woolly hair, keratoderma, and tooth agenesis; Erythrokeratodermia-cardiomyopathy syndrome. Identifiers: Orphanet 476096, Orphanet 65282, MedGen C4014393, MONDO:0014355, OMIM 615821.
DSP-related disorder. Also called: DSP-related condition; DSP-related disorders.
Cardiovascular phenotype. Identifiers: MedGen CN230736.
Cardiomyopathy (CMYO). Also called: Cardiomyopathies. Identifiers: Orphanet 167848, MedGen C0878544, MONDO:0004994, HP:0001638. Inheritance: Various modes of inheritance.

Allele frequency attached by ClinVar (database versions not stated): gnomAD exomes below 0.00001; ExAC 0.00001; TOPMed 0.00002; gnomAD 0.00003 and 0.00004.
gnomAD v4.1: 7 of 1,613,952 alleles (0.00043%); highest among the groups gnomAD compares: African/African-American, 0.0093%; no homozygotes.

Submissions (6):

PreventionGenetics, part of Exact Sciences
Classification: Uncertain significance for DSP-related condition. Last evaluated: 2026-02-09. Review status: criteria provided, single submitter. Criteria: ACMG Guidelines, 2015. Collection method: clinical testing. Allele origin: germline.
Comment: The DSP c.5839T>C variant is predicted to result in the amino acid substitution p.Tyr1947His. To our knowledge, this variant has not been reported in the literature. This variant is reported in 0.012% of alleles in individuals of African descent in gnomAD. At this time, the clinical significance of this variant is uncertain due to the absence of conclusive functional and genetic evidence.

Color Diagnostics, LLC DBA Color Health
Classification: Likely benign for Cardiomyopathy. Last evaluated: 2025-07-01. Review status: criteria provided, single submitter. Criteria: ACMG Guidelines, 2015. Collection method: clinical testing. Allele origin: germline.

All of Us Research Program, National Institutes of Health
Classification: Uncertain significance for Arrhythmogenic cardiomyopathy with wooly hair and keratoderma. Last evaluated: 2023-10-06. Review status: criteria provided, single submitter. Criteria: ACMG Guidelines, 2015. Collection method: clinical testing. Allele origin: germline. Inheritance: Autosomal dominant inheritance. Observed: 1 variant allele, 1 heterozygote.
Comment: This missense variant replaces tyrosine with histidine at codon 1947 of the DSP protein. Computational prediction suggests that this variant may not impact protein structure and function (internally defined REVEL score threshold <= 0.5, PMID: 27666373). To our knowledge, functional studies have not been reported for this variant. This variant has not been reported in individuals affected with DSP-related disorders in the literature. This variant has been identified in 3/282044 chromosomes in the general population by the Genome Aggregation Database (gnomAD). The available evidence is insufficient to determine the role of this variant in disease conclusively. Therefore, this variant is classified as a Variant of Uncertain Significance.

This study involves interpretation of variants in research participants for the purpose of population health screening. Participant phenotype was not available at the time of variant classification. Additional details can be found in publication PMID: 35346344, PMCID: PMC8962531

Labcorp Genetics (formerly Invitae), Labcorp
Classification: Likely benign for Arrhythmogenic cardiomyopathy with wooly hair and keratoderma; Arrhythmogenic right ventricular dysplasia 8. Last evaluated: 2023-05-15. Review status: criteria provided, single submitter. Criteria: Invitae Variant Classification Sherloc (09022015). Collection method: clinical testing. Allele origin: germline.

Ambry Genetics
Classification: Uncertain significance for Cardiovascular phenotype. Last evaluated: 2021-10-12. Review status: criteria provided, single submitter. Criteria: Ambry Variant Classification Scheme 2023. Collection method: clinical testing. Allele origin: germline.
Comment: The p.Y1947H variant (also known as c.5839T>C), located in coding exon 24 of the DSP gene, results from a T to C substitution at nucleotide position 5839. The tyrosine at codon 1947 is replaced by histidine, an amino acid with similar properties. This amino acid position is not well conserved in available vertebrate species. In addition, this alteration is predicted to be tolerated by in silico analysis. Since supporting evidence is limited at this time, the clinical significance of this alteration remains unclear.

Fulgent Genetics
Classification: Uncertain significance for Arrhythmogenic cardiomyopathy with wooly hair and keratoderma; Arrhythmogenic right ventricular dysplasia 8; Lethal acantholytic epidermolysis bullosa; Keratosis palmoplantaris striata 2; Cardiomyopathy, dilated, with wooly hair, keratoderma, and tooth agenesis. Last evaluated: 2021-09-14. Review status: criteria provided, single submitter. Criteria: ACMG Guidelines, 2015. Collection method: clinical testing. Allele origin: unknown.